The following is an entry in ClinVar:

NM_078470.6(COX15):c.795T>C (p.His265=)

Gene: COX15 (cytochrome c oxidase assembly factor COX15; minus strand). Cytogenetic location: 10q24.2.
Variant type: single nucleotide variant.
Coding change: c.795T>C on transcript NM_078470.6 (MANE Select); coding-DNA position 795, T replaced by C.
Protein change: p.His265=; no amino-acid change (histidine 265 retained).
Molecular consequence: synonymous variant. On other transcripts: non-coding transcript variant (1).
Genome position (GRCh38, 1-based): chr10:99,721,024, A>G on the plus strand (T>C on the coding strand, the complement: COX15 is on the minus strand). VCF-style: chr10-99721024-A-G. GRCh37 (hg19) VCF-style: chr10-101480781-A-G.
Other names: c.795T>C, p.His265= (NM_001320974.2, NM_001320975.2, NM_001372024.1 and 5 more transcripts); c.258T>C, p.His86= (NM_001320976.2).
Identifiers: ClinVar variation 514913 (VCV000514913.11), dbSNP rs1392338923, ClinGen allele CA471133122.

ClinVar aggregate classification (germline): Likely benign. Review status: criteria provided, multiple submitters, no conflicts (2 of 4 stars). 3 submissions from 3 submitters: Likely benign (3). Last evaluated 2026-01-21.

Allele frequency attached by ClinVar (database versions not stated): gnomAD 0.00001; gnomAD exomes 0.00002 and 0.00004; TOPMed 0.00005.
gnomAD v4.1: 15 of 1,613,800 alleles (0.00093%); highest among the groups gnomAD compares: Admixed American, 0.025%; no homozygotes.

Submissions (3):

Labcorp Genetics (formerly Invitae), Labcorp
Classification: Likely benign. Last evaluated: 2026-01-21. Review status: criteria provided, single submitter. Criteria: Invitae Variant Classification Sherloc (09022015). Collection method: clinical testing. Allele origin: germline.

Blueprint Genetics
Classification: Likely benign. Last evaluated: 2023-10-06. Review status: criteria provided, single submitter. Criteria: ACMG Guidelines, 2015. Collection method: clinical testing. Allele origin: germline.

GeneDx
Classification: Likely benign. Last evaluated: 2018-01-23. Review status: criteria provided, single submitter. Criteria: GeneDx Variant Classification (06012015). Collection method: clinical testing. Allele origin: germline. Affected: yes.
Comment: This variant is considered likely benign or benign based on one or more of the following criteria: it is a conservative change, it occurs at a poorly conserved position in the protein, it is predicted to be benign by multiple in silico algorithms, and/or has population frequency not consistent with disease.